The following is an entry in ClinVar:

NM_015450.3(POT1):c.1743A>C (p.Lys581Asn)

Gene: POT1 (protection of telomeres 1; minus strand). Cytogenetic location: 7q31.33.
Variant type: single nucleotide variant.
Coding change: c.1743A>C on transcript NM_015450.3 (MANE Select); coding-DNA position 1743, A replaced by C.
Protein change: p.Lys581Asn; replaces lysine 581 with asparagine.
Molecular consequence: missense variant. On other transcripts: non-coding transcript variant (3).
Genome position (GRCh38, 1-based): chr7:124,825,301, T>G on the plus strand (A>C on the coding strand, the complement: POT1 is on the minus strand). VCF-style: chr7-124825301-T-G. GRCh37 (hg19) VCF-style: chr7-124465355-T-G.
Other names: c.1350A>C, p.Lys450Asn (NM_001042594.2); c.1743A>C (NM_015450.2); short protein forms K450N, K581N.
Identifiers: ClinVar variation 1378231 (VCV001378231.9), dbSNP rs2116407850, ClinGen allele CA369062318.

ClinVar aggregate classification (germline): Conflicting classifications of pathogenicity. Review status: criteria provided, conflicting classifications (1 of 4 stars). 2 submissions from 2 submitters: Uncertain significance (1); Likely benign (1). Last evaluated 2026-08-28.

Conditions:
Tumor predisposition syndrome 3 (TPDS3). Also called: Glioma susceptibility 9; LONG TELOMERE SYNDROME, POT1-RELATED; POT1 Tumor Predisposition; Melanoma, cutaneous malignant, susceptibility to, 10. Identifiers: Orphanet 618, MedGen C4014476, MONDO:0014368, OMIM 615848.
Hereditary cancer-predisposing syndrome. Also called: Hereditary Cancer Syndrome; Neoplastic Syndromes, Hereditary; Hereditary neoplastic syndrome; Tumor predisposition. Identifiers: Orphanet 140162, MedGen C0027672, MeSH D009386, MONDO:0015356.

Submissions (2):

Ambry Genetics
Classification: Likely benign for Hereditary cancer-predisposing syndrome. Last evaluated: 2026-08-28. Review status: criteria provided, single submitter. Criteria: Ambry Variant Classification Scheme 2023. Collection method: clinical testing. Allele origin: germline.

Labcorp Genetics (formerly Invitae), Labcorp
Classification: Uncertain significance for Tumor predisposition syndrome 3. Last evaluated: 2021-03-19. Review status: criteria provided, single submitter. Criteria: Invitae Variant Classification Sherloc (09022015). Collection method: clinical testing. Allele origin: germline.
Comment: This sequence change replaces lysine with asparagine at codon 581 of the POT1 protein (p.Lys581Asn). The lysine residue is weakly conserved and there is a moderate physicochemical difference between lysine and asparagine. This variant is not present in population databases (ExAC no frequency). This variant has not been reported in the literature in individuals with POT1-related conditions. Algorithms developed to predict the effect of missense changes on protein structure and function (SIFT, PolyPhen-2, Align-GVGD) all suggest that this variant is likely to be tolerated, but these predictions have not been confirmed by published functional studies and their clinical significance is uncertain. In summary, the available evidence is currently insufficient to determine the role of this variant in disease. Therefore, it has been classified as a Variant of Uncertain Significance.